The following is an entry in ClinVar:

NM_000404.4(GLB1):c.623G>A (p.Arg208His)

Gene: GLB1 (galactosidase beta 1; minus strand). Cytogenetic location: 3p22.3.
Variant type: single nucleotide variant.
Coding change: c.623G>A on transcript NM_000404.4 (MANE Select); coding-DNA position 623, G replaced by A.
Protein change: p.Arg208His; replaces arginine 208 with histidine.
Molecular consequence: missense variant. On other transcripts: intron variant (1).
Genome position (GRCh38, 1-based): chr3:33,058,199, C>T on the plus strand (G>A on the coding strand, the complement: GLB1 is on the minus strand). VCF-style: chr3-33058199-C-T. GRCh37 (hg19) VCF-style: chr3-33099691-C-T.
Other names: p.Arg208His; c.533G>A, p.Arg178His (NM_001079811.3); c.767G>A, p.Arg256His (NM_001317040.2); c.623G>A, p.Arg208His (NM_001393580.1); c.341-4650G>A (NM_001135602.3); short protein forms R208H, R256H, R178H.
Identifiers: ClinVar variation 562201 (VCV000562201.25), dbSNP rs111840209, ClinGen allele CA2299644.

ClinVar aggregate classification (germline): Conflicting classifications of pathogenicity. Review status: criteria provided, conflicting classifications (1 of 4 stars). 9 submissions from 8 submitters: Uncertain significance (3); Likely benign (3). 3 of the submissions do not count toward it. Last evaluated 2026-01-19.

Conditions:
GM1 gangliosidosis. Identifiers: Orphanet 354, MedGen C0085131, MONDO:0018149.
Mucopolysaccharidosis, MPS-IV-B (MPS4B). Also called: Mucopolysaccharidosis Type IVB (Morquio B Disease); MORQUIO SYNDROME B; Mucopolysaccharidosis type IVB (Morquio); MPS IVB; Mucopolysaccharidosis type IV B; Mucopolysaccharidosis type 4B. Identifiers: Orphanet 309310, Orphanet 582, MedGen C0086652, MONDO:0009660, OMIM 253010.
GLB1-related disorder. Also called: GLB1-related disorders. Identifiers: MedGen CN377807.

Allele frequency attached by ClinVar (database versions not stated): ExAC 0.00117; 1000 Genomes Project 30x 0.00047; 1000 Genomes Project 0.00060; TOPMed 0.00060; ESP Exome Variant Server 0.00067; gnomAD 0.00103 and 0.00106; gnomAD exomes 0.00114.
gnomAD v4.1: 1,684 of 1,614,088 alleles (0.1%); highest among the groups gnomAD compares: Non-Finnish European, 0.11%; 2 homozygotes.

Submissions (9):

Labcorp Genetics (formerly Invitae), Labcorp
Classification: Likely benign for Mucopolysaccharidosis, MPS-IV-B; GM1 gangliosidosis. Last evaluated: 2026-01-19. Review status: criteria provided, single submitter. Criteria: Invitae Variant Classification Sherloc (09022015). Collection method: clinical testing. Allele origin: germline.

Blueprint Genetics
Classification: Likely benign. Last evaluated: 2024-10-18. Review status: criteria provided, single submitter. Criteria: ACMG Guidelines, 2015. Collection method: clinical testing. Allele origin: germline.

PreventionGenetics, part of Exact Sciences
Classification: Likely benign for GLB1-related condition. Last evaluated: 2024-10-18. Review status: criteria provided, single submitter. Criteria: ACMG Guidelines, 2015. Collection method: clinical testing. Allele origin: germline.
Comment: This variant is classified as likely benign based on ACMG/AMP sequence variant interpretation guidelines (Richards et al. 2015 PMID: 25741868, with internal and published modifications).

Mayo Clinic Laboratories, Mayo Clinic
Classification: Uncertain significance. Last evaluated: 2023-06-09. Review status: criteria provided, single submitter. Criteria: ACMG Guidelines, 2015. Collection method: clinical testing. Allele origin: germline. Observed: 1 variant allele.
Comment: BS1

Illumina Laboratory Services, Illumina
Classification: Uncertain significance for Mucopolysaccharidosis, MPS-IV-B. Last evaluated: 2018-01-13. Review status: criteria provided, single submitter. Criteria: ICSL Variant Classification Criteria 13 December 2019. Collection method: clinical testing. Allele origin: germline.

Illumina Laboratory Services, Illumina
Classification: Uncertain significance for GM1 gangliosidosis. Last evaluated: 2018-01-13. Review status: criteria provided, single submitter. Criteria: ICSL Variant Classification Criteria 13 December 2019. Collection method: clinical testing. Allele origin: germline.

Clinical Genetics DNA and cytogenetics Diagnostics Lab, Erasmus MC, Erasmus Medical Center
Classification: Likely benign. Review status: no assertion criteria provided. Collection method: clinical testing. Allele origin: germline. Affected: yes. Study: VKGL Data-share Consensus. Not counted in ClinVar's aggregate classification.

Department of Pathology and Laboratory Medicine, Sinai Health System
Classification: Uncertain significance. Review status: no assertion criteria provided. Collection method: clinical testing. Allele origin: unknown. Affected: yes. Study: The Canadian Open Genetics Repository (COGR). Not counted in ClinVar's aggregate classification.
Comment: The GLB1 p.Arg256His variant was not identified in the literature nor was it identified in Cosmic. The variant was identified in dbSNP (ID: rs111840209), ClinVar (classified as a VUS by Mayo Clinic Genetic Testing Laboratories for Infantile GM1 gangliosidosis, GM1 gangliosidosis type 2 and Gangliosidosis GM1 type 3) and LOVD 3.0 (classified as likely benign). The variant was identified in control databases in 337 of 280546 chromosomes (1 homozygous) at a frequency of 0.001201 increasing the likelihood this could be a low frequency benign variant (Genome Aggregation Database Feb 27, 2017). The variant was observed in the following populations: European (Finnish) in 133 of 25036 chromosomes (freq: 0.005312), Other in 12 of 7134 chromosomes (freq: 0.001682), European (non-Finnish) in 190 of 128374 chromosomes (freq: 0.00148) and African in 1 of 24182 chromosomes (freq: 0.000041), Latino in 1 of 35346 chromosomes (freq: 0.000028), but was not observed in the Ashkenazi Jewish, East Asian or South Asian populations. The p.Arg256 residue is not conserved in mammals and computational analyses (PolyPhen-2, SIFT, AlignGVGD, BLOSUM, MutationTaster) provide inconsistent predictions regarding the impact to the protein; this information is not very predictive of pathogenicity. The variant occurs outside of the splicing consensus sequence and in silico or computational prediction software programs (SpliceSiteFinder, MaxEntScan, NNSPLICE, GeneSplicer) do not predict a difference in splicing. In summary, based on the above information the clinical significance of this variant cannot be determined with certainty at this time. This variant is classified as a variant of uncertain significance.

Laboratory of Diagnostic Genome Analysis, Leiden University Medical Center (LUMC)
Classification: Likely benign. Review status: no assertion criteria provided. Collection method: clinical testing. Allele origin: germline. Affected: yes. Study: VKGL Data-share Consensus. Not counted in ClinVar's aggregate classification.

Literature cited by the submitters: PubMed 15714521 (cited by Mayo Clinic Laboratories, Mayo Clinic).